The following is an entry in ClinVar:

NM_004782.4(SNAP29):c.*2143G>A

Gene: SNAP29 (synaptosome associated protein 29; plus strand). Cytogenetic location: 22q11.21.
Variant type: single nucleotide variant.
Coding change: c.*2143G>A on transcript NM_004782.4 (MANE Select); 2143 bases downstream of the stop codon, G replaced by A.
Molecular consequence: 3 prime UTR variant.
Genome position (GRCh38, 1-based): chr22:20,889,979, G>A. VCF-style: chr22-20889979-G-A. GRCh37 (hg19) VCF-style: chr22-21244267-G-A.
Identifiers: ClinVar variation 340876 (VCV000340876.5), dbSNP rs370242754, ClinGen allele CA10650914.
Genomic context (GRCh38, chr22:20,889,979, plus strand): 5'-CCAGTCACCCGCCCTTCTCTGTTTTTTGGTTTTTTTTTTCTTAACCCCAGGTATATGGAA[G>A]GGGAGTTGCCTTCACTTTTCTGGAAATTTGTCTTCGTCTGACATATTAGAGGGCCTCGTT-3'

ClinVar aggregate classification (germline): Likely benign (1 of 4 stars; one submission).

Conditions:
CEDNIK syndrome. Also called: CEREBRAL DYSGENESIS, NEUROPATHY, ICHTHYOSIS, AND PALMOPLANTAR KERATODERMA SYNDROME; Cerebral dysgenesis, neuropathy, ichthyosis, and palmoplantar keratoderma. Identifiers: Orphanet 66631, MedGen C1836033, MONDO:0012290, OMIM 609528.

Allele frequency attached by ClinVar (database versions not stated): gnomAD 0.00001 and 0.00011; gnomAD exomes 0.00003; TOPMed 0.00003; 1000 Genomes Project 0.00060; 1000 Genomes Project 30x 0.00062.
gnomAD v4.1: 22 of 314,796 alleles (0.007%); highest among the groups gnomAD compares: South Asian, 0.27%; no homozygotes.

Submission:

Illumina Laboratory Services, Illumina
Classification: Likely benign for CEDNIK syndrome. Last evaluated: 2018-01-12. Review status: criteria provided, single submitter. Criteria: ICSL Variant Classification Criteria 13 December 2019. Collection method: clinical testing. Allele origin: germline.
Comment: This variant was observed in the ICSL laboratory as part of a predisposition screen in an ostensibly healthy population. It had not been previously curated by ICSL or reported in the Human Gene Mutation Database (HGMD: prior to June 1st, 2018), and was therefore a candidate for classification through an automated scoring system. Utilizing variant allele frequency, disease prevalence and penetrance estimates, and inheritance mode, an automated score was calculated to assess if this variant is too frequent to cause the disease. Based on the score and internal cut-off values, a variant classified as likely benign is not then subjected to further curation. The score for this variant resulted in a classification of likely benign for this disease.